The following is an entry in ClinVar:

ClinVar aggregate classification (germline): Uncertain significance (1 of 4 stars; one submission).

Conditions:
Charcot-Marie-Tooth disease type 4. Also called: Charcot-Marie-Tooth disease, type IV; Charcot-Marie-Tooth, Type 4. Identifiers: Orphanet 64749, MedGen C4082197, MONDO:0018995.

Submission:

Labcorp Genetics (formerly Invitae), Labcorp
Classification: Uncertain significance for Charcot-Marie-Tooth disease type 4. Last evaluated: 2022-05-04. Review status: criteria provided, single submitter. Criteria: Invitae Variant Classification Sherloc (09022015). Collection method: clinical testing. Allele origin: germline.
Comment: Experimental studies and prediction algorithms are not available or were not evaluated, and the functional significance of this variant is currently unknown. This variant has not been reported in the literature in individuals affected with FIG4-related conditions. This variant is not present in population databases (gnomAD no frequency). This variant, c.329_331del, results in the deletion of 1 amino acid(s) of the FIG4 protein (p.Ile110del), but otherwise preserves the integrity of the reading frame. In summary, the available evidence is currently insufficient to determine the role of this variant in disease. Therefore, it has been classified as a Variant of Uncertain Significance.

NM_014845.6(FIG4):c.326TAA[1] (p.Ile110del)

Gene: FIG4 (FIG4 phosphoinositide 5-phosphatase; plus strand). Cytogenetic location: 6q21.
Variant type: Microsatellite.
Coding change: c.326TAA[1] on transcript NM_014845.6 (MANE Select); one copy of the 3-base unit TAA starting at c.326; the reference has two copies in a row; one copy, 3 bases deleted.
Protein change: p.Ile110del; deletes isoleucine 110.
Molecular consequence: inframe deletion.
Genome position (GRCh38, 1-based): chr6:109,727,148-109,727,150, TAA deleted; deleting any 3 consecutive bases within chr6:109,727,145-109,727,150 gives the same sequence; the position shown is the placement nearest the transcript's 3' end. VCF-style (leftmost placement, unchanged base first): chr6-109727144-TTAA-T. GRCh37 (hg19) VCF-style: chr6-110048347-TTAA-T.
Other names: short protein forms I110del.
Identifiers: ClinVar variation 2062126 (VCV002062126.3), dbSNP rs2486106331, ClinGen allele CA2578712683.